The following is an entry in ClinVar:

ClinVar aggregate classification (germline): Uncertain significance (1 of 4 stars; one submission).

Conditions:
Hereditary cancer-predisposing syndrome. Also called: Neoplastic Syndromes, Hereditary; Tumor predisposition; Hereditary neoplastic syndrome; Hereditary Cancer Syndrome. Identifiers: Orphanet 140162, MedGen C0027672, MeSH D009386, MONDO:0015356.

Submission:

Ambry Genetics
Classification: Uncertain significance for Hereditary cancer-predisposing syndrome. Last evaluated: 2026-07-07. Review status: criteria provided, single submitter. Criteria: Ambry Variant Classification Scheme 2023. Collection method: clinical testing. Allele origin: germline.
Comment: The p.K939N variant (also known as c.2817G>T), located in coding exon 15 of the APC gene, results from a G to T substitution at nucleotide position 2817. The lysine at codon 939 is replaced by asparagine, an amino acid with similar properties. This amino acid position is conserved. In addition, in silico predictors for this gene do not accurately predict pathogenicity. Based on the available evidence, the clinical significance of this variant remains unclear.

NM_000038.6(APC):c.2817G>T (p.Lys939Asn)

Gene: APC (APC regulator of Wnt signaling pathway; plus strand). Cytogenetic location: 5q22.2.
Variant type: single nucleotide variant.
Coding change: c.2817G>T on transcript NM_000038.6 (MANE Select); coding-DNA position 2817, G replaced by T.
Protein change: p.Lys939Asn; replaces lysine 939 with asparagine.
Molecular consequence: missense variant. On other transcripts: non-coding transcript variant (2).
Genome position (GRCh38, 1-based): chr5:112,838,411, G>T. VCF-style: chr5-112838411-G-T. GRCh37 (hg19) VCF-style: chr5-112174108-G-T.
Other names: c.1968G>T, p.Lys656Asn (NM_001407470.1, NM_001354906.2); c.1665G>T, p.Lys555Asn (NM_001407471.1, NM_001407472.1); c.2763G>T, p.Lys921Asn (NM_001127511.3); c.2817G>T, p.Lys939Asn (NM_001354895.2, NM_001407450.1, NM_001127510.3); c.2871G>T, p.Lys957Asn (NM_001354896.2, NM_001407447.1, NM_001407448.1 and 1 more transcripts); c.2847G>T, p.Lys949Asn (NM_001354897.2); c.2742G>T, p.Lys914Asn (NM_001354898.2); c.2733G>T, p.Lys911Asn (NM_001354899.2); and 11 more; short protein forms K838N, K880N, K898N, K656N, K848N, K911N, K914N, K932N.
Identifiers: ClinVar variation 5025120 (VCV005025120.1).
Genomic context (GRCh38, chr5:112,838,411, plus strand): 5'-AAATGCACTTAGAAGAAGCTCTGCTGCCCATACACATTCAAACACTTACAATTTCACTAA[G>T]TCGGAAAATTCAAATAGGACATGTTCTATGCCTTATGCCAAATTAGAATACAAGAGATCT-3'
Protein context (NP_000029.2, residues 929-949): HTHSNTYNFT[Lys939Asn]SENSNRTCSM